The following is an entry in ClinVar:

NM_015909.4(NBAS):c.57G>T (p.Glu19Asp)

Genes: NBAS (NBAS subunit of NRZ tethering complex; minus strand), LOC129933155 (ATAC-STARR-seq lymphoblastoid active region 15346; plus strand). Cytogenetic location: 2p24.3.
Variant type: single nucleotide variant.
Coding change: c.57G>T on transcript NM_015909.4 (MANE Select); coding-DNA position 57, G replaced by T.
Protein change: p.Glu19Asp; replaces glutamic acid 19 with aspartic acid.
Molecular consequence: missense variant. On other transcripts: non-coding transcript variant (1).
Genome position (GRCh38, 1-based): chr2:15,561,248, C>A on the plus strand (G>T on the coding strand, the complement: NBAS is on the minus strand). VCF-style: chr2-15561248-C-A. GRCh37 (hg19) VCF-style: chr2-15701372-C-A.
Other names: short protein forms E19D.
Identifiers: ClinVar variation 1476260 (VCV001476260.6), dbSNP rs748675036, ClinGen allele CA1537244.

ClinVar aggregate classification (germline): Uncertain significance (1 of 4 stars; one submission).

Allele frequency attached by ClinVar (database versions not stated): gnomAD exomes below 0.00001; ExAC 0.00001.
gnomAD v4.1: 3 of 1,614,016 alleles (0.00019%); highest among the groups gnomAD compares: South Asian, 0.0033%; no homozygotes.

Submission:

Labcorp Genetics (formerly Invitae), Labcorp
Classification: Uncertain significance. Last evaluated: 2021-11-14. Review status: criteria provided, single submitter. Criteria: Invitae Variant Classification Sherloc (09022015). Collection method: clinical testing. Allele origin: germline.
Comment: In summary, the available evidence is currently insufficient to determine the role of this variant in disease. Therefore, it has been classified as a Variant of Uncertain Significance. Algorithms developed to predict the effect of missense changes on protein structure and function output the following: SIFT: "Deleterious"; PolyPhen-2: "Benign"; Align-GVGD: "Class C35". The aspartic acid amino acid residue is found in multiple mammalian species, which suggests that this missense change does not adversely affect protein function. This variant has not been reported in the literature in individuals affected with NBAS-related conditions. This variant is present in population databases (rs748675036, gnomAD 0.003%). This sequence change replaces glutamic acid, which is acidic and polar, with aspartic acid, which is acidic and polar, at codon 19 of the NBAS protein (p.Glu19Asp).